The following is an entry in ClinVar:

ClinVar aggregate classification (germline): Benign/Likely benign. Review status: criteria provided, multiple submitters, no conflicts (2 of 4 stars). 6 submissions from 6 submitters: Benign (1); Likely benign (5). Last evaluated 2026-02-03.

Conditions:
CLN3-related disorder. Also called: CLN3-related condition. Identifiers: MedGen CN382248.
Inborn genetic diseases. Identifiers: MedGen C0950123, MeSH D030342.
Neuronal ceroid lipofuscinosis. Also called: Neuronal Ceroid Lipofuscinoses. Identifiers: Orphanet 216, Orphanet 79263, MedGen C0027877, MONDO:0016295. Disease mechanism: loss of function.

Allele frequency attached by ClinVar (database versions not stated): ExAC 0.00005; gnomAD 0.00005 and 0.00006; gnomAD exomes 0.00007 and 0.00008; ESP Exome Variant Server 0.00008; TOPMed 0.00008; 1000 Genomes Project 30x 0.00016; 1000 Genomes Project 0.00020.
gnomAD v4.1: 131 of 1,613,260 alleles (0.0081%); highest among the groups gnomAD compares: Non-Finnish European, 0.0097%; no homozygotes.

Submissions (6):

Labcorp Genetics (formerly Invitae), Labcorp
Classification: Likely benign for Neuronal ceroid lipofuscinosis. Last evaluated: 2026-02-03. Review status: criteria provided, single submitter. Criteria: Invitae Variant Classification Sherloc (09022015). Collection method: clinical testing. Allele origin: germline.

PreventionGenetics, part of Exact Sciences
Classification: Likely benign for CLN3-related condition. Last evaluated: 2025-01-17. Review status: criteria provided, single submitter. Criteria: ACMG Guidelines, 2015. Collection method: clinical testing. Allele origin: germline.
Comment: This variant is classified as likely benign based on ACMG/AMP sequence variant interpretation guidelines (Richards et al. 2015 PMID: 25741868, with internal and published modifications).

Blueprint Genetics
Classification: Likely benign. Last evaluated: 2024-09-13. Review status: criteria provided, single submitter. Criteria: ACMG Guidelines, 2015. Collection method: clinical testing. Allele origin: germline.

CeGaT Center for Human Genetics Tuebingen
Classification: Likely benign. Last evaluated: 2023-08-01. Review status: criteria provided, single submitter. Criteria: CeGaT Center For Human Genetics Tuebingen Variant Classification Criteria Version 2. Collection method: clinical testing. Allele origin: germline. Affected: yes. Observed: 2 variant alleles.
Comment: CLN3: BP4, BP7

Ambry Genetics
Classification: Likely benign for Inborn genetic diseases. Last evaluated: 2019-09-26. Review status: criteria provided, single submitter. Criteria: Ambry Variant Classification Scheme 2023. Collection method: clinical testing. Allele origin: germline.

GeneDx
Classification: Benign. Last evaluated: 2014-01-09. Review status: criteria provided, single submitter. Criteria: GeneDx Variant Classification (06012015). Collection method: clinical testing. Allele origin: germline. Affected: yes.
Comment: This variant is considered likely benign or benign based on one or more of the following criteria: it is a conservative change, it occurs at a poorly conserved position in the protein, it is predicted to be benign by multiple in silico algorithms, and/or has population frequency not consistent with disease.

NM_001042432.2(CLN3):c.975G>A (p.Leu325=)

Gene: CLN3 (CLN3 lysosomal/endosomal transmembrane protein, battenin; minus strand). Cytogenetic location: 16p12.1.
Variant type: single nucleotide variant.
Coding change: c.975G>A on transcript NM_001042432.2 (MANE Select); coding-DNA position 975, G replaced by A.
Protein change: p.Leu325=; no amino-acid change (leucine 325 retained).
Molecular consequence: synonymous variant.
Genome position (GRCh38, 1-based): chr16:28,482,186, C>T on the plus strand (G>A on the coding strand, the complement: CLN3 is on the minus strand). VCF-style: chr16-28482186-C-T. GRCh37 (hg19) VCF-style: chr16-28493507-C-T.
Other names: p.L325L:CTG>CTA; c.975G>A, p.Leu325= (NM_000086.2); c.903G>A, p.Leu301= (NM_001286104.2); c.675G>A, p.Leu225= (NM_001286105.2); c.741G>A, p.Leu247= (NM_001286109.2); c.813G>A, p.Leu271= (NM_001286110.2).
Identifiers: ClinVar variation 136782 (VCV000136782.39), dbSNP rs150174473, ClinGen allele CA290114.